The following is an entry in ClinVar:

ClinVar aggregate classification (germline): Benign/Likely benign. Review status: criteria provided, multiple submitters, no conflicts (2 of 4 stars). 6 submissions from 6 submitters: Benign (1); Likely benign (4). 1 of the submissions does not count toward it. Last evaluated 2026-01-14.

Conditions:
Polydactyly, postaxial, type A1. Identifiers: MedGen C4282400, MONDO:0008266, OMIM 174200.
Pallister-Hall syndrome (PHS). Also called: HYPOTHALAMIC HAMARTOBLASTOMA, HYPOPITUITARISM, IMPERFORATE ANUS, AND POSTAXIAL POLYDACTYLY; GLI3-Related Pallister-Hall Syndrome. Identifiers: Orphanet 672, MedGen C0265220, MONDO:0007804, OMIM 146510.
Greig cephalopolysyndactyly syndrome (GCPS). Also called: POLYSYNDACTYLY WITH PECULIAR SKULL SHAPE; GLI3-Related Greig Cephalopolysyndactyly Syndrome; Greig syndrome. Identifiers: Orphanet 380, MedGen C0265306, MONDO:0008287, OMIM 175700.
Polysyndactyly 4. Also called: Polysyndactyly uncomplicated; Preaxial polydactyly 4. Identifiers: Orphanet 93338, MedGen C1868111, MONDO:0008272, OMIM 174700.
GLI3-related disorder. Also called: GLI3-related condition; GLI3-related disorders. Identifiers: MedGen CN239292.

Allele frequency attached by ClinVar (database versions not stated): ESP Exome Variant Server 0.00008; TOPMed 0.00012; gnomAD 0.00013 and 0.00015; 1000 Genomes Project 0.00020; ExAC 0.00028; gnomAD exomes 0.00030 and 0.00031; 1000 Genomes Project 30x 0.00031.
gnomAD v4.1: 470 of 1,613,630 alleles (0.029%); highest among the groups gnomAD compares: Middle Eastern, 0.17%; 2 homozygotes.

Submissions (6):

Labcorp Genetics (formerly Invitae), Labcorp
Classification: Benign for Pallister-Hall syndrome; Greig cephalopolysyndactyly syndrome. Last evaluated: 2026-01-14. Review status: criteria provided, single submitter. Criteria: Invitae Variant Classification Sherloc (09022015). Collection method: clinical testing. Allele origin: germline.

Blueprint Genetics
Classification: Likely benign. Last evaluated: 2024-11-22. Review status: criteria provided, single submitter. Criteria: ACMG Guidelines, 2015. Collection method: clinical testing. Allele origin: germline.

CeGaT Center for Human Genetics Tuebingen
Classification: Likely benign. Last evaluated: 2024-05-01. Review status: criteria provided, single submitter. Criteria: CeGaT Center For Human Genetics Tuebingen Variant Classification Criteria Version 2. Collection method: clinical testing. Allele origin: germline. Affected: yes. Observed: 1 variant allele.
Comment: GLI3: BP4, BS1

Fulgent Genetics
Classification: Likely benign for Pallister-Hall syndrome; Polydactyly, postaxial, type A1; Polysyndactyly 4; Greig cephalopolysyndactyly syndrome. Last evaluated: 2021-08-16. Review status: criteria provided, single submitter. Criteria: ACMG Guidelines, 2015. Collection method: clinical testing. Allele origin: unknown.

GeneDx
Classification: Likely benign. Last evaluated: 2020-12-07. Review status: criteria provided, single submitter. Criteria: GeneDx Variant Classification Process June 2021. Collection method: clinical testing. Allele origin: germline. Affected: yes.

PreventionGenetics, part of Exact Sciences
Classification: Likely benign for GLI3-related condition. Last evaluated: 2022-02-26. Review status: no assertion criteria provided. Collection method: clinical testing. Allele origin: germline. Not counted in ClinVar's aggregate classification.
Comment: This variant is classified as likely benign based on ACMG/AMP sequence variant interpretation guidelines (Richards et al. 2015 PMID: 25741868, with internal and published modifications).

NM_000168.6(GLI3):c.168C>T (p.Asn56=)

Gene: GLI3 (GLI family zinc finger 3; minus strand). Cytogenetic location: 7p14.1.
Variant type: single nucleotide variant.
Coding change: c.168C>T on transcript NM_000168.6 (MANE Select); coding-DNA position 168, C replaced by T.
Protein change: p.Asn56=; no amino-acid change (asparagine 56 retained).
Molecular consequence: synonymous variant.
Genome position (GRCh38, 1-based): chr7:42,148,425, G>A on the plus strand (C>T on the coding strand, the complement: GLI3 is on the minus strand). VCF-style: chr7-42148425-G-A. GRCh37 (hg19) VCF-style: chr7-42188024-G-A.
Identifiers: ClinVar variation 779005 (VCV000779005.33), dbSNP rs376845825, ClinGen allele CA4231289.